The following is an entry in ClinVar:

ClinVar aggregate classification (germline): Uncertain significance. Review status: criteria provided, multiple submitters, no conflicts (2 of 4 stars). 2 submissions from 2 submitters: Uncertain significance (2). Last evaluated 2025-10-21.

Conditions:
ALG9 congenital disorder of glycosylation (CDG1L). Also called: ALG9-CDG; CDG Il; CONGENITAL DISORDER OF GLYCOSYLATION, TYPE Il. Identifiers: Orphanet 79328, MedGen C2931006, MONDO:0012117, OMIM 608776.

Allele frequency attached by ClinVar (database versions not stated): TOPMed 0.00005; gnomAD 0.00007.

Submissions (2):

GeneDx
Classification: Uncertain significance. Last evaluated: 2025-10-21. Review status: criteria provided, single submitter. Criteria: GeneDx Variant Classification Process June 2021. Collection method: clinical testing. Allele origin: germline. Affected: yes.
Comment: Not observed at significant frequency in large population cohorts (gnomAD); In silico analysis supports that this missense variant has a deleterious effect on protein structure/function; Has not been previously published as pathogenic or benign to our knowledge

Labcorp Genetics (formerly Invitae), Labcorp
Classification: Uncertain significance for ALG9 congenital disorder of glycosylation. Last evaluated: 2022-08-01. Review status: criteria provided, single submitter. Criteria: Invitae Variant Classification Sherloc (09022015). Collection method: clinical testing. Allele origin: germline.
Comment: This sequence change replaces arginine, which is basic and polar, with cysteine, which is neutral and slightly polar, at codon 371 of the ATP6V0A2 protein (p.Arg371Cys). This variant is present in population databases (rs778381327, gnomAD 0.01%). This variant has not been reported in the literature in individuals affected with ATP6V0A2-related conditions. ClinVar contains an entry for this variant (Variation ID: 1203808). Algorithms developed to predict the effect of missense changes on protein structure and function are either unavailable or do not agree on the potential impact of this missense change (SIFT: "Deleterious"; PolyPhen-2: "Probably Damaging"; Align-GVGD: "Class C0"). In summary, the available evidence is currently insufficient to determine the role of this variant in disease. Therefore, it has been classified as a Variant of Uncertain Significance.

NM_012463.4(ATP6V0A2):c.1111C>T (p.Arg371Cys)

Gene: ATP6V0A2 (ATPase H+ transporting V0 subunit a2; plus strand). Cytogenetic location: 12q24.31.
Variant type: single nucleotide variant.
Coding change: c.1111C>T on transcript NM_012463.4 (MANE Select); coding-DNA position 1111, C replaced by T.
Protein change: p.Arg371Cys; replaces arginine 371 with cysteine.
Molecular consequence: missense variant.
Genome position (GRCh38, 1-based): chr12:123,743,857, C>T. VCF-style: chr12-123743857-C-T. GRCh37 (hg19) VCF-style: chr12-124228404-C-T.
Other names: short protein forms R371C.
Identifiers: ClinVar variation 1203808 (VCV001203808.7), dbSNP rs778381327, ClinGen allele CA6861845.
Genomic context (GRCh38, chr12:123,743,857, plus strand): 5'-GCTACAATCCCCTCATTCATGAATATAATCCCCACAAAAGAAACACCCCCCACTCGGATC[C>T]GCACCAACAAATTCACCGAGGGATTTCAGAACATCGTGGATGCTTATGGAGTCGGAAGCT-3'
Protein context (NP_036595.2, residues 361-381): PTKETPPTRI[Arg371Cys]TNKFTEGFQN